The following is an entry in ClinVar:

NM_004519.4(KCNQ3):c.386+49786C>G

Gene: KCNQ3 (potassium voltage-gated channel subfamily Q member 3; minus strand). Cytogenetic location: 8q24.22.
Variant type: single nucleotide variant.
Coding change: c.386+49786C>G on transcript NM_004519.4 (MANE Select); 49786 bases into the intron after coding-DNA position 386, C replaced by G.
Molecular consequence: intron variant.
Genome position (GRCh38, 1-based): chr8:132,430,361, G>C on the plus strand (C>G on the coding strand, the complement: KCNQ3 is on the minus strand). VCF-style: chr8-132430361-G-C. GRCh37 (hg19) VCF-style: chr8-133442608-G-C.
Other names: c.26+16840C>G (NM_001204824.2).
Identifiers: ClinVar variation 3256848 (VCV003256848.2).

ClinVar aggregate classification (germline): Benign (1 of 4 stars; one submission).

gnomAD v4.1: 90,262 of 152,088 alleles (59%); highest among the groups gnomAD compares: African/African-American, 64%; 27,248 homozygotes.

Submission:

Unidad de Genómica Garrahan, Hospital de Pediatría Garrahan
Classification: Benign. Last evaluated: 2024-07-31. Review status: criteria provided, single submitter. Criteria: ACMG Guidelines, 2015. Collection method: clinical testing. Allele origin: germline. Affected: no. Observed: 75 variant alleles.
Comment: This variant is classified as Benign based on local population frequency. This variant was detected in 81% of patients studied in a panel designed for Epileptic and Developmental Encephalopathy, Progressive Myoclonus Epilepsy and Abnormal Movements and Neurodegeneration with brain iron accumulation. Number of patients: 75. Only high quality variants are reported.